The following is an entry in ClinVar:

NM_001126108.2(SLC12A3):c.185A>G (p.Asp62Gly)

Gene: SLC12A3 (solute carrier family 12 member 3; plus strand). Cytogenetic location: 16q13.
Variant type: single nucleotide variant.
Coding change: c.185A>G on transcript NM_001126108.2 (MANE Select); coding-DNA position 185, A replaced by G.
Protein change: p.Asp62Gly; replaces aspartic acid 62 with glycine.
Molecular consequence: missense variant.
Genome position (GRCh38, 1-based): chr16:56,865,420, A>G. VCF-style: chr16-56865420-A-G. GRCh37 (hg19) VCF-style: chr16-56899332-A-G.
Other names: c.185A>G, p.Asp62Gly (NM_000339.3, NM_001126107.2, NM_001410896.1); c.185A>G (NM_000339.2); short protein forms D62G.
Identifiers: ClinVar variation 2137814 (VCV002137814.8), dbSNP rs1251732657, ClinGen allele CA395977146.

ClinVar aggregate classification (germline): Pathogenic/Likely pathogenic. Review status: criteria provided, multiple submitters, no conflicts (2 of 4 stars). 3 submissions from 3 submitters: Pathogenic (1); Likely pathogenic (2). Last evaluated 2024-07-08.

Conditions:
Familial hypokalemia-hypomagnesemia (GTLMNS). Also called: gitelman syndrome; HYPOMAGNESEMIA-HYPOKALEMIA, PRIMARY RENOTUBULAR, WITH HYPOCALCIURIA; POTASSIUM AND MAGNESIUM DEPLETION. Identifiers: Orphanet 358, MedGen C0268450, MONDO:0009904, OMIM 263800.

Allele frequency attached by ClinVar (database versions not stated): gnomAD exomes below 0.00001; TOPMed below 0.00001.

Submissions (3):

Natera, Inc.
Classification: Likely pathogenic for Gitelman syndrome. Last evaluated: 2024-07-08. Review status: criteria provided, single submitter. Criteria: Natera Variant Classification Schema (03/2026). Collection method: clinical testing. Allele origin: germline.
Comment: The c.185A>G variant in SLC12A3 is a missense variant predicted to cause substitution of aspartic acid to glycine at amino acid 62. This variant is rare in the general population with a frequency below the threshold expected for the associated phenotype(s). This variant has been observed in one or more individuals affected with the associated recessive disease, as either homozygous or compound heterozygous with a second variant (PMID: 34389731). A different variant at the same position has been determined to be Pathogenic or Likely Pathogenic. Computational prediction algorithms indicate this variant is likely to affect gene or protein function. Given the available evidence, this variant is classified as Likely Pathogenic.

Labcorp Genetics (formerly Invitae), Labcorp
Classification: Pathogenic. Last evaluated: 2022-08-09. Review status: criteria provided, single submitter. Criteria: Invitae Variant Classification Sherloc (09022015). Collection method: clinical testing. Allele origin: germline.
Comment: This sequence change replaces aspartic acid, which is acidic and polar, with glycine, which is neutral and non-polar, at codon 62 of the SLC12A3 protein (p.Asp62Gly). This variant is not present in population databases (gnomAD no frequency). This missense change has been observed in individual(s) with clinical features of Gitelman syndrome (PMID: 22679066; Invitae). In at least one individual the data is consistent with being in trans (on the opposite chromosome) from a pathogenic variant. Advanced modeling of protein sequence and biophysical properties (such as structural, functional, and spatial information, amino acid conservation, physicochemical variation, residue mobility, and thermodynamic stability) performed at Invitae indicates that this missense variant is expected to disrupt SLC12A3 protein function. Algorithms developed to predict the effect of sequence changes on RNA splicing suggest that this variant may create or strengthen a splice site. This variant disrupts the p.Asp62 amino acid residue in SLC12A3. Other variant(s) that disrupt this residue have been determined to be pathogenic (PMID: 8900229, 22934535; Invitae). This suggests that this residue is clinically significant, and that variants that disrupt this residue are likely to be disease-causing. For these reasons, this variant has been classified as Pathogenic.

Juno Genomics, Hangzhou Juno Genomics, Inc
Classification: Likely pathogenic for Familial hypokalemia-hypomagnesemia. Review status: criteria provided, single submitter. Criteria: ACMG Guidelines, 2015. Collection method: clinical testing. Allele origin: germline. Affected: yes.
Comment: Absent from controls (or at extremely low frequency if recessive) in Genome Aggregation Database, Exome Sequencing Project, 1000 Genomes Project, or Exome Aggregation Consortium.;Multiple lines of computational evidence support a deleterious effect on the gene or gene product (conservation, evolutionary, splicing impact, etc).;For recessive disorders, detected in trans with a pathogenic variant.;Patient's phenotype or family history is highly specific for a disease with a single genetic etiology.

Literature cited by the submitters: PubMed 34389731 (cited by Natera, Inc.); PubMed 22679066 (cited by Labcorp Genetics (formerly Invitae), Labcorp); PubMed 8900229 (cited by Labcorp Genetics (formerly Invitae), Labcorp); PubMed 22934535 (cited by Labcorp Genetics (formerly Invitae), Labcorp).